The following is an entry in ClinVar:

ClinVar aggregate classification (germline): Uncertain significance. Review status: criteria provided, multiple submitters, no conflicts (2 of 4 stars). 2 submissions from 2 submitters: Uncertain significance (2). Last evaluated 2025-08-07.

Conditions:
Inborn genetic diseases. Identifiers: MedGen C0950123, MeSH D030342.
Neuropathy, hereditary sensory and autonomic, type 2A (HSAN2A). Also called: NEUROPATHY, HEREDITARY SENSORY RADICULAR, AUTOSOMAL RECESSIVE; NEUROPATHY, HEREDITARY SENSORY, TYPE IIA; NEUROPATHY, PROGRESSIVE SENSORY, OF CHILDREN; WNK1-Related HSAN2 (HSAN2A); ACROOSTEOLYSIS, GIACCAI TYPE; ACROOSTEOLYSIS, NEUROGENIC. Identifiers: Orphanet 970, MedGen C2752089, MONDO:0024309, OMIM 201300.
Generalized epilepsy with febrile seizures plus, type 7 (GEFSP7). Also called: GEFS+, TYPE 7. Identifiers: Orphanet 36387, MedGen C2751778, MONDO:0013470, OMIM 613863.

gnomAD v4.1: 4 of 1,612,626 alleles (0.00025%); highest among the groups gnomAD compares: African/African-American, 0.0053%; no homozygotes.

Submissions (2):

Ambry Genetics
Classification: Uncertain significance for Inborn genetic diseases. Last evaluated: 2025-08-07. Review status: criteria provided, single submitter. Criteria: Ambry Variant Classification Scheme 2023. Collection method: clinical testing. Allele origin: germline.

Labcorp Genetics (formerly Invitae), Labcorp
Classification: Uncertain significance for Neuropathy, hereditary sensory and autonomic, type 2A; Generalized epilepsy with febrile seizures plus, type 7. Last evaluated: 2024-09-24. Review status: criteria provided, single submitter. Criteria: Invitae Variant Classification Sherloc (09022015). Collection method: clinical testing. Allele origin: germline.
Comment: This sequence change replaces methionine, which is neutral and non-polar, with isoleucine, which is neutral and non-polar, at codon 426 of the SCN9A protein (p.Met426Ile). This variant is present in population databases (rs558239794, gnomAD 0.007%). This variant has not been reported in the literature in individuals affected with SCN9A-related conditions. Invitae Evidence Modeling of protein sequence and biophysical properties (such as structural, functional, and spatial information, amino acid conservation, physicochemical variation, residue mobility, and thermodynamic stability) indicates that this missense variant is not expected to disrupt SCN9A protein function with a negative predictive value of 95%. In summary, the available evidence is currently insufficient to determine the role of this variant in disease. Therefore, it has been classified as a Variant of Uncertain Significance.

NM_001365536.1(SCN9A):c.1278G>A (p.Met426Ile)

Genes: SCN1A-AS1 (SCN1A and SCN9A antisense RNA 1; plus strand), SCN9A (sodium voltage-gated channel alpha subunit 9; minus strand). Cytogenetic location: 2q24.3.
Variant type: single nucleotide variant.
Coding change: c.1278G>A on transcript NM_001365536.1 (MANE Select); coding-DNA position 1278, G replaced by A.
Protein change: p.Met426Ile; replaces methionine 426 with isoleucine.
Molecular consequence: missense variant.
Genome position (GRCh38, 1-based): chr2:166,288,473, C>T on the plus strand (G>A on the coding strand, the complement: SCN9A is on the minus strand). VCF-style: chr2-166288473-C-T. GRCh37 (hg19) VCF-style: chr2-167144983-C-T.
Other names: c.1278G>A, p.Met426Ile (NM_002977.4); short protein forms M426I.
Identifiers: ClinVar variation 3763136 (VCV003763136.3).